The following is an entry in ClinVar:

NM_017433.5(MYO3A):c.2506-60GAG[3]

Gene: MYO3A (myosin IIIA; plus strand). Cytogenetic location: 10p12.1.
Variant type: Microsatellite.
Coding change: c.2506-60GAG[3] on transcript NM_017433.5 (MANE Select); three copies in a row of the 3-base unit GAG starting at c.2506-60.
Molecular consequence: intron variant.
Genome position: GRCh38 VCF-style: chr10-26147369-TGAG-T. GRCh37 (hg19) VCF-style: chr10-26436298-TGAG-T.
Identifiers: ClinVar variation 683247 (VCV000683247.1), dbSNP rs35241240, ClinGen allele CA204376523.

ClinVar aggregate classification (germline): Benign (1 of 4 stars; one submission).

Submission:

GeneDx
Classification: Benign. Last evaluated: 2018-06-15. Review status: criteria provided, single submitter. Criteria: GeneDx Variant Classification (06012015). Collection method: clinical testing. Allele origin: germline. Affected: yes.
Comment: This variant is considered likely benign or benign based on one or more of the following criteria: it is a conservative change, it occurs at a poorly conserved position in the protein, it is predicted to be benign by multiple in silico algorithms, and/or has population frequency not consistent with disease.